The following is an entry in ClinVar:

ClinVar aggregate classification (germline): Uncertain significance (1 of 4 stars; one submission).

Conditions:
Maple syrup urine disease (MSUD). Identifiers: Orphanet 511, MedGen C0024776, MeSH D008375, MONDO:0009563. Disease mechanism: loss of function.

gnomAD v4.1: 2 of 1,614,128 alleles (0.00012%); highest among the groups gnomAD compares: South Asian, 0.0022%; no homozygotes.

Submission:

Labcorp Genetics (formerly Invitae), Labcorp
Classification: Uncertain significance for Maple syrup urine disease. Last evaluated: 2025-03-09. Review status: criteria provided, single submitter. Criteria: Invitae Variant Classification Sherloc (09022015). Collection method: clinical testing. Allele origin: germline.
Comment: This sequence change replaces tyrosine, which is neutral and polar, with histidine, which is basic and polar, at codon 167 of the BCKDHB protein (p.Tyr167His). This variant is present in population databases (rs773116505, gnomAD 0.003%). This missense change has been observed in individual(s) with a positive newborn screening result for BCKDHB-related disease (internal data). Invitae Evidence Modeling of protein sequence and biophysical properties (such as structural, functional, and spatial information, amino acid conservation, physicochemical variation, residue mobility, and thermodynamic stability) has been performed for this missense variant. However, the output from this modeling did not meet the statistical confidence thresholds required to predict the impact of this variant on BCKDHB protein function. In summary, the available evidence is currently insufficient to determine the role of this variant in disease. Therefore, it has been classified as a Variant of Uncertain Significance.

NM_183050.4(BCKDHB):c.499T>C (p.Tyr167His)

Gene: BCKDHB (branched chain keto acid dehydrogenase E1 subunit beta; plus strand). Cytogenetic location: 6q14.1.
Variant type: single nucleotide variant.
Coding change: c.499T>C on transcript NM_183050.4 (MANE Select); coding-DNA position 499, T replaced by C.
Protein change: p.Tyr167His; replaces tyrosine 167 with histidine.
Molecular consequence: missense variant. On other transcripts: non-coding transcript variant (6).
Genome position (GRCh38, 1-based): chr6:80,168,896, T>C. VCF-style: chr6-80168896-T-C. GRCh37 (hg19) VCF-style: chr6-80878613-T-C.
Other names: c.499T>C, p.Tyr167His (NM_001424035.1, NM_001424036.1, NM_001424037.1 and 8 more transcripts); c.289T>C, p.Tyr97His (NM_001424043.1, NM_001318975.1); short protein forms Y97H, Y167H.
Identifiers: ClinVar variation 4702134 (VCV004702134.1).